The following is an entry in ClinVar:

NM_001999.4(FBN2):c.4285C>A (p.Pro1429Thr)

Gene: FBN2 (fibrillin 2; minus strand). Cytogenetic location: 5q23.3.
Variant type: single nucleotide variant.
Coding change: c.4285C>A on transcript NM_001999.4 (MANE Select); coding-DNA position 4285, C replaced by A.
Protein change: p.Pro1429Thr; replaces proline 1429 with threonine.
Molecular consequence: missense variant.
Genome position (GRCh38, 1-based): chr5:128,330,633, G>T on the plus strand (C>A on the coding strand, the complement: FBN2 is on the minus strand). VCF-style: chr5-128330633-G-T. GRCh37 (hg19) VCF-style: chr5-127666325-G-T.
Other names: short protein forms P1429T.
Identifiers: ClinVar variation 411835 (VCV000411835.9), dbSNP rs1060503511, ClinGen allele CA16611686.

ClinVar aggregate classification (germline): Likely pathogenic (1 of 4 stars; one submission).

Conditions:
Congenital contractural arachnodactyly (CCA). Also called: BEALS SYNDROME; Arthrogryposis, distal, type 9; Beals-Hecht syndrome. Identifiers: Orphanet 115, MedGen C0220668, MONDO:0007363, OMIM 121050.

Submission:

Labcorp Genetics (formerly Invitae), Labcorp
Classification: Likely pathogenic for Congenital contractural arachnodactyly. Last evaluated: 2016-09-13. Review status: criteria provided, single submitter. Criteria: Invitae Variant Classification Sherloc (09022015). Collection method: clinical testing. Allele origin: germline.
Comment: This sequence change replaces proline with threonine at codon 1429 of the FBN2 protein (p.Pro1429Thr). The proline residue is highly conserved and there is a small physicochemical difference between proline and threonine. This variant is not present in population databases (ExAC no frequency) and has not been reported in the literature in individuals with a FBN2-related disease. Algorithms developed to predict the effect of missense changes on protein structure and function do not agree on the potential impact of this missense change (SIFT: "Tolerated"; PolyPhen-2: "Probably Damaging"; Align-GVGD: "Class C0"). In summary, this variant is a novel missense change that was shown to arise de-novo in an affected individual and has an unknown effect on protein function. For these reasons it has been classified as Likely Pathogenic. Family studies indicate this missense variant likely was not inherited from either parent (i.e. occurred de novo) in an individual with disease (Invitae database).